The following is an entry in ClinVar:

NM_020549.5(CHAT):c.275C>A (p.Pro92Gln)

Gene: CHAT (choline O-acetyltransferase; plus strand). Cytogenetic location: 10q11.23.
Variant type: single nucleotide variant.
Coding change: c.275C>A on transcript NM_020549.5 (MANE Select); coding-DNA position 275, C replaced by A.
Protein change: p.Pro92Gln; replaces proline 92 with glutamine.
Molecular consequence: missense variant. On other transcripts: 5 prime UTR variant (4), intron variant (2).
Genome position (GRCh38, 1-based): chr10:49,614,464, C>A. VCF-style: chr10-49614464-C-A. GRCh37 (hg19) VCF-style: chr10-50822510-C-A.
Other names: c.275C>A (NM_020549.4); c.-80C>A (NM_001142929.2, NM_020985.4); c.-42C>A (NM_001142933.2); c.-150C>A (NM_001142934.2); c.-68-2038C>A (NM_020984.4); c.-69+1262C>A (NM_020986.4); short protein forms P92Q.
Identifiers: ClinVar variation 999156 (VCV000999156.5), dbSNP rs372298555, ClinGen allele CA206623030.

ClinVar aggregate classification (germline): Uncertain significance. Review status: criteria provided, multiple submitters, no conflicts (2 of 4 stars). 2 submissions from 2 submitters: Uncertain significance (2). Last evaluated 2025-05-01.

Conditions:
Inborn genetic diseases. Identifiers: MedGen C0950123, MeSH D030342.
Familial infantile myasthenia (CMS6). Also called: MYASTHENIC SYNDROME, PRESYNAPTIC, CONGENITAL, ASSOCIATED WITH EPISODIC APNEA; Congenital myasthenic syndrome type 6; MYASTHENIC SYNDROME, CONGENITAL, 6, PRESYNAPTIC. Identifiers: Orphanet 590, MedGen C0393929, MONDO:0009689, OMIM 254210.

gnomAD v4.1: 13 of 1,546,690 alleles (0.00084%); highest among the groups gnomAD compares: Admixed American, 0.024%; no homozygotes.

Submissions (2):

Ambry Genetics
Classification: Uncertain significance for Inborn genetic diseases. Last evaluated: 2025-05-01. Review status: criteria provided, single submitter. Criteria: Ambry Variant Classification Scheme 2023. Collection method: clinical testing. Allele origin: germline.

Labcorp Genetics (formerly Invitae), Labcorp
Classification: Uncertain significance for Familial infantile myasthenia. Last evaluated: 2022-08-16. Review status: criteria provided, single submitter. Criteria: Invitae Variant Classification Sherloc (09022015). Collection method: clinical testing. Allele origin: germline.
Comment: This sequence change replaces proline, which is neutral and non-polar, with glutamine, which is neutral and polar, at codon 92 of the CHAT protein (p.Pro92Gln). This variant is present in population databases (no rsID available, gnomAD 0.04%). This variant has not been reported in the literature in individuals affected with CHAT-related conditions. ClinVar contains an entry for this variant (Variation ID: 999156). Advanced modeling of protein sequence and biophysical properties (such as structural, functional, and spatial information, amino acid conservation, physicochemical variation, residue mobility, and thermodynamic stability) performed at Invitae indicates that this missense variant is not expected to disrupt CHAT protein function. In summary, the available evidence is currently insufficient to determine the role of this variant in disease. Therefore, it has been classified as a Variant of Uncertain Significance.